The following is an entry in ClinVar:

ClinVar aggregate classification (germline): Uncertain significance (1 of 4 stars; one submission).

Submission:

GeneDx
Classification: Uncertain significance. Last evaluated: 2025-10-09. Review status: criteria provided, single submitter. Criteria: GeneDx Variant Classification Process June 2021. Collection method: clinical testing. Allele origin: germline.
Comment: Not observed at significant frequency in large population cohorts (gnomAD); In silico analysis supports that this missense variant does not alter protein structure/function; Has not been previously published as pathogenic or benign to our knowledge

NM_003998.4(NFKB1):c.2779G>C (p.Asp927His)

Gene: NFKB1 (nuclear factor kappa B subunit 1; plus strand). Cytogenetic location: 4q24.
Variant type: single nucleotide variant.
Coding change: c.2779G>C on transcript NM_003998.4 (MANE Select); coding-DNA position 2779, G replaced by C.
Protein change: p.Asp927His; replaces aspartic acid 927 with histidine.
Molecular consequence: missense variant.
Genome position (GRCh38, 1-based): chr4:102,616,463, G>C. VCF-style: chr4-102616463-G-C. GRCh37 (hg19) VCF-style: chr4-103537620-G-C.
Other names: c.2776G>C, p.Asp926His (NM_001165412.2, NM_001319226.2, NM_001382627.1); c.2779G>C, p.Asp927His (NM_001382625.1, NM_001382626.1); c.2737G>C, p.Asp913His (NM_001382628.1); short protein forms D913H, D926H, D927H.
Identifiers: ClinVar variation 3369999 (VCV003369999.2).
Genomic context (GRCh38, chr4:102,616,463, plus strand): 5'-CCCCCAGTGAATTTGTGCTTTCTCCCCTCAGACGAGCTCCGAGACAGTGACAGTGTCTGC[G>C]ACAGCGGCGTGGAGACATCCTTCCGCAAACTCAGCTTTACCGAGTCTCTGACCAGTGGTG-3'
Protein context (NP_003989.2, residues 917-937): DELRDSDSVC[Asp927His]SGVETSFRKL